The following is an entry in ClinVar:

ClinVar aggregate classification (germline): Likely benign (1 of 4 stars; one submission).

Allele frequency attached by ClinVar (database versions not stated): gnomAD exomes 0.00063 and 0.00196; ExAC 0.00301; gnomAD 0.00612 and 0.00651; TOPMed 0.00707; ESP Exome Variant Server 0.00814; 1000 Genomes Project 0.00821; 1000 Genomes Project 30x 0.00874.
gnomAD v4.1: 1,376 of 1,184,205 alleles (0.12%); highest among the groups gnomAD compares: African/African-American, 2.2%; 16 homozygotes.

Submission:

GeneDx
Classification: Likely benign. Last evaluated: 2018-06-14. Review status: criteria provided, single submitter. Criteria: GeneDx Variant Classification (06012015). Collection method: clinical testing. Allele origin: germline. Affected: yes.
Comment: This variant is considered likely benign or benign based on one or more of the following criteria: it is a conservative change, it occurs at a poorly conserved position in the protein, it is predicted to be benign by multiple in silico algorithms, and/or has population frequency not consistent with disease.

NM_002637.4(PHKA1):c.1325-26G>A

Gene: PHKA1 (phosphorylase kinase regulatory subunit alpha 1; minus strand). Cytogenetic location: Xq13.1.
Variant type: single nucleotide variant.
Coding change: c.1325-26G>A on transcript NM_002637.4 (MANE Select); 26 bases into the intron before coding-DNA position 1325, G replaced by A.
Molecular consequence: intron variant.
Genome position (GRCh38, 1-based): chrX:72,644,522, C>T on the plus strand (G>A on the coding strand, the complement: PHKA1 is on the minus strand). VCF-style: chrX-72644522-C-T. GRCh37 (hg19) VCF-style: chrX-71864372-C-T.
Other names: c.1325-26G>A (NM_001172436.2, NM_001122670.2).
Identifiers: ClinVar variation 676769 (VCV000676769.1), dbSNP rs147590078, ClinGen allele CA10450882.